The following is an entry in ClinVar:

NM_001111125.3(IQSEC2):c.3482C>T (p.Ser1161Leu)

Gene: IQSEC2 (IQ motif and Sec7 domain ArfGEF 2; minus strand). Cytogenetic location: Xp11.22.
Variant type: single nucleotide variant.
Coding change: c.3482C>T on transcript NM_001111125.3 (MANE Select); coding-DNA position 3482, C replaced by T.
Protein change: p.Ser1161Leu; replaces serine 1161 with leucine.
Molecular consequence: missense variant. On other transcripts: intron variant (2).
Genome position (GRCh38, 1-based): chrX:53,235,802, G>A on the plus strand (C>T on the coding strand, the complement: IQSEC2 is on the minus strand). VCF-style: chrX-53235802-G-A. GRCh37 (hg19) VCF-style: chrX-53264984-G-A.
Other names: c.3451+520C>T (NM_001410736.1); c.2836+520C>T (NM_015075.2); c.3482C>T (NM_001111125.1); short protein forms S1161L.
Identifiers: ClinVar variation 3242016 (VCV003242016.2), dbSNP rs2519682527.
Genomic context (GRCh38, chrX:53,235,802, plus strand): 5'-GGCTCATGCAGAGGACGAGTGGGGCAGGAGCTGGCACTTACTTCGATGGTGCTGTCCAGC[G>A]ATCCCACGCTGTTACGCCGCCCCCGCTTCCCTGCACCCACAAGCAAGGAGCCCAGCGTCA-3'
Protein context (NP_001104595.1, residues 1151-1171): GKRGRRNSVG[Ser1161Leu]LDSTIEGSVI

ClinVar aggregate classification (germline): Uncertain significance. Review status: criteria provided, multiple submitters, no conflicts (2 of 4 stars). 2 submissions from 2 submitters: Uncertain significance (2). Last evaluated 2025-03-04.

Conditions:
Intellectual developmental disorder, X-linked 1. Also called: Atkin Flaitz Patil Smith syndrome; MENTAL RETARDATION, X-LINKED 18; MENTAL RETARDATION, X-LINKED 78; Intellectual disability, X-linked 1. Identifiers: Orphanet 777, MedGen C2931498, MONDO:0010656, OMIM 309530.

Submissions (2):

GeneDx
Classification: Uncertain significance. Last evaluated: 2025-03-04. Review status: criteria provided, single submitter. Criteria: GeneDx Variant Classification Process June 2021. Collection method: clinical testing. Allele origin: germline. Affected: yes.
Comment: Not observed at significant frequency in large population cohorts (gnomAD); In silico analysis supports that this missense variant has a deleterious effect on protein structure/function; Has not been previously published as pathogenic or benign to our knowledge

Neuberg Centre For Genomic Medicine, NCGM
Classification: Uncertain significance for Intellectual developmental disorder, X-linked 1. Review status: criteria provided, single submitter. Criteria: ACMG Guidelines, 2015. Collection method: clinical testing. Allele origin: germline. Inheritance: X-linked inheritance. Affected: yes.
Comment: The observed missense variant c.3482C>T(p.Ser1161Leu) in IQSEC2 gene has not been reported previously as a pathogenic variant nor as a benign variant, to our knowledge. The c.3482C>T variant is absent in gnomAD Exomes. The amino acid Serine at position 1161 is changed to a Leucine changing protein sequence and it might alter its composition and physico-chemical properties. The variant is predicted to be damaging by SIFT. The amino acid change p.Ser1161Leu in IQSEC2 is predicted as conserved by GERP++ and PhyloP across 100 vertebrates. For these reasons, this variant has been classified as Uncertain Significance.